The following is an entry in ClinVar:

NM_000138.5(FBN1):c.885T>G (p.Ile295Met)

Gene: FBN1 (fibrillin 1; minus strand). Cytogenetic location: 15q21.1.
Variant type: single nucleotide variant.
Coding change: c.885T>G on transcript NM_000138.5 (MANE Select); coding-DNA position 885, T replaced by G.
Protein change: p.Ile295Met; replaces isoleucine 295 with methionine.
Molecular consequence: missense variant.
Genome position (GRCh38, 1-based): chr15:48,526,233, A>C on the plus strand (T>G on the coding strand, the complement: FBN1 is on the minus strand). VCF-style: chr15-48526233-A-C. GRCh37 (hg19) VCF-style: chr15-48818430-A-C.
Other names: short protein forms I295M.
Identifiers: ClinVar variation 316388 (VCV000316388.22), dbSNP rs151056963, ClinGen allele CA060328.
Genomic context (GRCh38, chr15:48,526,233, plus strand): 5'-ACATTTGCAAAAGTAACTGCTGACTGTGTTTGTACATTCACCCCCTTCACAGATTCCAGG[A>C]ATGGTGCTGCATTCATCAATATCTGGAATATAAAAAAAAGAATCTCAGCATTTGTAGAAC-3'
Protein context (NP_000129.3, residues 285-305): KCEDIDECST[Ile295Met]PGICEGGECT

ClinVar aggregate classification (germline): Conflicting classifications of pathogenicity. Review status: criteria provided, conflicting classifications (1 of 4 stars). 12 submissions from 6 submitters: Uncertain significance (4); Benign (1); Likely benign (7). Last evaluated 2025-12-31.

Conditions:
Marfan syndrome (MFS). Also called: Marfan syndrome type 1; Marfan's syndrome; MARFAN SYNDROME, TYPE I; Marfan syndrome, classic; FBN1-Related Marfan Syndrome. Identifiers: Orphanet 284963, Orphanet 558, MedGen C0024796, MONDO:0007947, OMIM 154700.
Weill-Marchesani syndrome. Also called: WM Syndrome; Mesodermal dysmorphodystrophy congenital. Identifiers: Orphanet 3449, MedGen C0265313, MONDO:0018096.
Acromicric dysplasia (ACMICD). Also called: Acromicric skeletal dysplasia. Identifiers: Orphanet 969, MedGen C0265287, MONDO:0007055, OMIM 102370.
Stiff skin syndrome (SSKS). Identifiers: Orphanet 2833, MedGen C1861456, MONDO:0008492, OMIM 184900.
Ectopia lentis 1, isolated, autosomal dominant (ECTOL1). Identifiers: Orphanet 1885, MedGen C3541518, MONDO:0007514, OMIM 129600.
Familial thoracic aortic aneurysm and aortic dissection (TAAD). Also called: Thoracic aortic aneurysms and dissections. Identifiers: Orphanet 91387, MedGen C4707243, MONDO:0019625.
Geleophysic dysplasia. Identifiers: Orphanet 2623, MedGen C3489726, MONDO:0000127.

Allele frequency attached by ClinVar (database versions not stated): ExAC 0.00002; gnomAD exomes below 0.00001 and 0.00001; TOPMed 0.00002; gnomAD 0.00003; 1000 Genomes Project 0.00020; 1000 Genomes Project 30x 0.00031; ESP Exome Variant Server 0.00015.
gnomAD v4.1: 10 of 1,614,156 alleles (0.00062%); highest among the groups gnomAD compares: African/African-American, 0.013%; no homozygotes.

Submissions (12):

Ambry Genetics
Classification: Uncertain significance for Familial thoracic aortic aneurysm and aortic dissection. Last evaluated: 2025-12-31. Review status: criteria provided, single submitter. Criteria: Ambry Variant Classification Scheme 2023. Collection method: clinical testing. Allele origin: germline.

All of Us Research Program, National Institutes of Health
Classification: Uncertain significance for Marfan syndrome. Last evaluated: 2024-04-16. Review status: criteria provided, single submitter. Criteria: ACMG Guidelines, 2015. Collection method: clinical testing. Allele origin: germline. Inheritance: Autosomal dominant inheritance. Observed: 1 variant allele, 1 heterozygote.
Comment: This missense variant replaces isoleucine with methionine at codon 295 of the FBN1 protein. Computational prediction is inconclusive regarding the impact of this variant on protein structure and function (internally defined REVEL score threshold 0.5 < inconclusive < 0.7, PMID: 27666373). To our knowledge, functional studies have not been reported for this variant. This variant has not been reported in individuals affected with cardiovascular disorders in the literature. This variant has been identified in 4/282828 chromosomes in the general population by the Genome Aggregation Database (gnomAD). The available evidence is insufficient to determine the role of this variant in disease conclusively. Therefore, this variant is classified as a Variant of Uncertain Significance.

This study involves interpretation of variants in research participants for the purpose of population health screening. Participant phenotype was not available at the time of variant classification. Additional details can be found in publication PMID: 35346344, PMCID: PMC8962531

GeneDx
Classification: Uncertain significance. Last evaluated: 2024-04-12. Review status: criteria provided, single submitter. Criteria: GeneDx Variant Classification Process June 2021. Collection method: clinical testing. Allele origin: germline. Affected: yes.
Comment: Not observed at a significant frequency in large population cohorts (gnomAD); Although located in a calcium-binding EGF-like domain of the FBN1 gene, it does not affect a cysteine residue within this domain; cysteine substitutions in the calcium-binding EGF-like domains represent the majority of pathogenic missense changes associated with FBN1-related disorders (PMID: 12938084); In silico analysis supports that this missense variant does not alter protein structure/function; Has not been previously published as pathogenic or benign to our knowledge

Color Diagnostics, LLC DBA Color Health
Classification: Uncertain significance for Familial thoracic aortic aneurysm and aortic dissection. Last evaluated: 2024-04-04. Review status: criteria provided, single submitter. Criteria: ACMG Guidelines, 2015. Collection method: clinical testing. Allele origin: germline.
Comment: This missense variant replaces isoleucine with methionine at codon 295 of the FBN1 protein. Computational prediction tools indicate that this variant's impact on protein structure and function is inconclusive. To our knowledge, functional studies have not been reported for this variant. This variant has not been reported in individuals affected with FBN1-related disorders in the literature. This variant has been identified in 4/282828 chromosomes in the general population by the Genome Aggregation Database (gnomAD). The available evidence is insufficient to determine the role of this variant in disease conclusively. Therefore, this variant is classified as a Variant of Uncertain Significance.

Labcorp Genetics (formerly Invitae), Labcorp
Classification: Benign for Marfan syndrome; Familial thoracic aortic aneurysm and aortic dissection. Last evaluated: 2023-08-06. Review status: criteria provided, single submitter. Criteria: Invitae Variant Classification Sherloc (09022015). Collection method: clinical testing. Allele origin: germline.

Illumina Laboratory Services, Illumina
Classification: Likely benign for Familial thoracic aortic aneurysm and aortic dissection. Last evaluated: 2017-04-27. Review status: criteria provided, single submitter. Criteria: ICSL Variant Classification Criteria 13 December 2019. Collection method: clinical testing. Allele origin: germline.
Comment: This variant was observed as part of a predisposition screen in an ostensibly healthy population. A literature search was performed for the gene, cDNA change, and amino acid change (where applicable). No publications were found based on this search. Allele frequency data from public databases allowed determination this variant is unlikely to cause disease. Therefore, this variant is classified as likely benign.

Illumina Laboratory Services, Illumina
Classification: Likely benign for Stiff skin syndrome. Last evaluated: 2017-04-27. Review status: criteria provided, single submitter. Criteria: ICSL Variant Classification Criteria 13 December 2019. Collection method: clinical testing. Allele origin: germline.
Comment: the same text as in the submission from Illumina Laboratory Services, Illumina above.

Illumina Laboratory Services, Illumina
Classification: Likely benign for Ectopia lentis 1, isolated, autosomal dominant. Last evaluated: 2017-04-27. Review status: criteria provided, single submitter. Criteria: ICSL Variant Classification Criteria 13 December 2019. Collection method: clinical testing. Allele origin: germline.
Comment: the same text as in the submission from Illumina Laboratory Services, Illumina above.

Illumina Laboratory Services, Illumina
Classification: Likely benign for Geleophysic dysplasia. Last evaluated: 2017-04-27. Review status: criteria provided, single submitter. Criteria: ICSL Variant Classification Criteria 13 December 2019. Collection method: clinical testing. Allele origin: germline.
Comment: the same text as in the submission from Illumina Laboratory Services, Illumina above.

Illumina Laboratory Services, Illumina
Classification: Likely benign for Marfan syndrome. Last evaluated: 2017-04-27. Review status: criteria provided, single submitter. Criteria: ICSL Variant Classification Criteria 13 December 2019. Collection method: clinical testing. Allele origin: germline.
Comment: the same text as in the submission from Illumina Laboratory Services, Illumina above.

Illumina Laboratory Services, Illumina
Classification: Likely benign for Acromicric dysplasia. Last evaluated: 2017-04-27. Review status: criteria provided, single submitter. Criteria: ICSL Variant Classification Criteria 13 December 2019. Collection method: clinical testing. Allele origin: germline.
Comment: the same text as in the submission from Illumina Laboratory Services, Illumina above.

Illumina Laboratory Services, Illumina
Classification: Likely benign for Weill-Marchesani syndrome. Last evaluated: 2017-04-27. Review status: criteria provided, single submitter. Criteria: ICSL Variant Classification Criteria 13 December 2019. Collection method: clinical testing. Allele origin: germline.
Comment: the same text as in the submission from Illumina Laboratory Services, Illumina above.